The following is an entry in ClinVar:

ClinVar aggregate classification (germline): Likely pathogenic (1 of 4 stars; one submission).

Conditions:
Dilated cardiomyopathy 1G (CMD1G). Identifiers: Orphanet 154, MedGen C1858763, MONDO:0011400, OMIM 604145.
Autosomal recessive limb-girdle muscular dystrophy type 2J (LGMDR10). Also called: Limb-girdle muscular dystrophy, type 2J; MUSCULAR DYSTROPHY, LIMB-GIRDLE, AUTOSOMAL RECESSIVE 10. Identifiers: Orphanet 140922, MedGen C1837342, MONDO:0012127, OMIM 608807.

Submission:

Labcorp Genetics (formerly Invitae), Labcorp
Classification: Likely pathogenic for Dilated cardiomyopathy 1G; Autosomal recessive limb-girdle muscular dystrophy type 2J. Last evaluated: 2021-04-10. Review status: criteria provided, single submitter. Criteria: Invitae Variant Classification Sherloc (09022015). Collection method: clinical testing. Allele origin: germline.
Comment: This sequence change creates a premature translational stop signal (p.Val29439Cysfs*3) in the TTN gene. While this is not anticipated to result in nonsense mediated decay, it is expected to create a truncated TTN protein. In summary, the currently available evidence indicates that the variant is pathogenic, but additional data are needed to prove that conclusively. Therefore, this variant has been classified as Likely Pathogenic. This variant is located in the A band of TTN (PMID: 25589632). Truncating variants in this region are significantly overrepresented in patients affected with dilated cardiomyopathy (PMID: 25589632). Truncating variants in this region have also been reported in individuals affected with autosomal recessive centronuclear myopathy (PMID: 23975875). This variant has not been reported in the literature in individuals with TTN-related conditions. This variant is not present in population databases (ExAC no frequency).

Literature cited by the submitters: PubMed 25589632; PubMed 23975875.

NM_001267550.2(TTN):c.88313dup (p.Val29439fs)

Genes: TTN (titin; minus strand), TTN-AS1 (TTN antisense RNA 1; plus strand). Cytogenetic location: 2q31.2.
Variant type: Duplication.
Coding change: c.88313dup on transcript NM_001267550.2 (MANE Select); coding-DNA position 88313, one base duplicated (C; older notation c.88313dupC).
Protein change: p.Val29439fs; shifts the reading frame from valine 29439.
Molecular consequence: frameshift variant.
Genome position (GRCh38, 1-based): chr2:178,555,146, G duplicated on the plus strand (C on the coding strand, the reverse complement: TTN is on the minus strand); the first of 2 consecutive G bases (chr2:178,555,146-178,555,147); duplicating either gives the same sequence. VCF-style (leftmost placement, unchanged base first): chr2-178555145-A-AG. GRCh37 (hg19) VCF-style: chr2-179419872-A-AG.
Other names: c.83390dup, p.Val27798fs (NM_001256850.1); c.61118dup, p.Val20374fs (NM_003319.4); c.80609dup, p.Val26871fs (NM_133378.4); c.61493dup, p.Val20499fs (NM_133432.3); c.61694dup, p.Val20566fs (NM_133437.4); short protein forms V20374fs, V26871fs, V20566fs, V20499fs, V27798fs, V29439fs.
Identifiers: ClinVar variation 1468828 (VCV001468828.8), dbSNP rs2154153508, ClinGen allele CA2573134116.
Genomic context (GRCh38, chr2:178,555,145, plus strand): 5'-CACAGATGTACCTGCTCTGTATTTGACAACTTCTGTATATTCTAGAGGCAAATCAATTAC[A>AG]GGACCACCTGCAAGAAAAACAGATGAGAAATATTTAAAATATTATAAGGATGGAAAAAAA-3'